The following is an entry in ClinVar:

NM_024422.6(DSC2):c.2509-11C>G

Gene: DSC2 (desmocollin 2; minus strand). Cytogenetic location: 18q12.1.
Variant type: single nucleotide variant.
Coding change: c.2509-11C>G on transcript NM_024422.6 (MANE Select); 11 bases into the intron before coding-DNA position 2509, C replaced by G.
Molecular consequence: intron variant.
Genome position (GRCh38, 1-based): chr18:31,068,223, G>C on the plus strand (C>G on the coding strand, the complement: DSC2 is on the minus strand). VCF-style: chr18-31068223-G-C. GRCh37 (hg19) VCF-style: chr18-28648189-G-C.
Other names: c.*11-11C>G (NM_004949.5).
Identifiers: ClinVar variation 1626293 (VCV001626293.9), dbSNP rs1353395919, ClinGen allele CA778390904.

ClinVar aggregate classification (germline): Conflicting classifications of pathogenicity. Review status: criteria provided, conflicting classifications (1 of 4 stars). 2 submissions from 2 submitters: Uncertain significance (1); Likely benign (1). Last evaluated 2023-05-04.

Conditions:
Familial isolated arrhythmogenic right ventricular dysplasia. Identifiers: Orphanet 217656, MedGen C4274968, MONDO:0016342.
Arrhythmogenic right ventricular dysplasia 11. Also called: Arrhythmogenic Right Ventricular Dysplasia/Cardiomyopathy11; ARRHYTHMOGENIC RIGHT VENTRICULAR DYSPLASIA, FAMILIAL, 11; Arrhythmogenic right ventricular dysplasia 11 with mild palmoplantar keratoderma and woolly hair. Identifiers: MedGen C1864850, MONDO:0012506, OMIM 610476.

Allele frequency attached by ClinVar (database versions not stated): TOPMed 0.00001.
gnomAD v4.1: 1 of 1,613,872 alleles (0.000062%); highest among the groups gnomAD compares: Non-Finnish European, 0.000085%; no homozygotes.

Submissions (2):

All of Us Research Program, National Institutes of Health
Classification: Uncertain significance for Familial isolated arrhythmogenic right ventricular dysplasia. Last evaluated: 2023-05-04. Review status: criteria provided, single submitter. Criteria: ACMG Guidelines, 2015. Collection method: clinical testing. Allele origin: germline. Inheritance: Autosomal dominant inheritance. Observed: 1 variant allele, 1 heterozygote.
Comment: This variant causes a C to G nucleotide substitution at the -11 position of intron 15 of the DSC2 gene. Splice prediction tools and conservation analysis are inconclusive regarding the impact of this variant on RNA splicing. To our knowledge, functional studies have not been reported for this variant. This variant has not been reported in individuals affected with DSC2-related disorders in the literature. This variant has not been identified in the general population by the Genome Aggregation Database (gnomAD). The available evidence is insufficient to determine the role of this variant in disease conclusively. Therefore, this variant is classified as a Variant of Uncertain Significance.

This study involves interpretation of variants in research participants for the purpose of population health screening. Participant phenotype was not available at the time of variant classification. Additional details can be found in publication PMID: 35346344, PMCID: PMC8962531

Labcorp Genetics (formerly Invitae), Labcorp
Classification: Likely benign for Arrhythmogenic right ventricular dysplasia 11. Last evaluated: 2022-08-09. Review status: criteria provided, single submitter. Criteria: Invitae Variant Classification Sherloc (09022015). Collection method: clinical testing. Allele origin: germline.